The following is an entry in ClinVar:

ClinVar aggregate classification (germline): Uncertain significance. Review status: criteria provided, multiple submitters, no conflicts (2 of 4 stars). 2 submissions from 2 submitters: Uncertain significance (2). Last evaluated 2026-01-17.

Conditions:
Hereditary cancer-predisposing syndrome. Also called: Neoplastic Syndromes, Hereditary; Tumor predisposition; Hereditary Cancer Syndrome; Hereditary neoplastic syndrome. Identifiers: Orphanet 140162, MedGen C0027672, MeSH D009386, MONDO:0015356.
Rhabdoid tumor predisposition syndrome 2 (RTPS2). Identifiers: Orphanet 231108, Orphanet 69077, MedGen C2750074, MONDO:0013224, OMIM 613325.

Allele frequency attached by ClinVar (database versions not stated): gnomAD exomes below 0.00001.
gnomAD v4.1: 4 of 1,614,142 alleles (0.00025%); highest among the groups gnomAD compares: Non-Finnish European, 0.00034%; no homozygotes.

Submissions (2):

Labcorp Genetics (formerly Invitae), Labcorp
Classification: Uncertain significance for Rhabdoid tumor predisposition syndrome 2. Last evaluated: 2026-01-17. Review status: criteria provided, single submitter. Criteria: Invitae Variant Classification Sherloc (09022015). Collection method: clinical testing. Allele origin: germline.
Comment: This sequence change replaces glycine, which is neutral and non-polar, with glutamic acid, which is acidic and polar, at codon 648 of the SMARCA4 protein (p.Gly648Glu). This variant also falls at the last nucleotide of exon 12, which is part of the consensus splice site for this exon. This variant is not present in population databases (gnomAD no frequency). This variant has not been reported in the literature in individuals affected with SMARCA4-related conditions. ClinVar contains an entry for this variant (Variation ID: 1783092). An algorithm developed to predict the effect of missense changes on protein structure and function (PolyPhen-2) suggests that this variant is likely to be disruptive. Variants that disrupt the consensus splice site are a relatively common cause of aberrant splicing (PMID: 17576681, 9536098). In summary, the available evidence is currently insufficient to determine the role of this variant in disease. Therefore, it has been classified as a Variant of Uncertain Significance.

Ambry Genetics
Classification: Uncertain significance for Hereditary cancer-predisposing syndrome. Last evaluated: 2025-03-14. Review status: criteria provided, single submitter. Criteria: Ambry Variant Classification Scheme 2023. Collection method: clinical testing. Allele origin: germline.
Comment: The p.G648E variant (also known as c.1943G>A), located in coding exon 11 of the SMARCA4 gene, results from a G to A substitution at nucleotide position 1943. The amino acid change results in glycine to glutamic acid at codon 648, an amino acid with similar properties. However, this change occurs in the last base pair of coding exon 11, which makes it likely to have some effect on normal mRNA splicing. The nucleotide and amino acid positions are highly conserved in available vertebrate species. In silico splice site analysis predicts that this alteration will not have any significant effect on splicing. In addition, as a missense substitution the in silico protein prediction for this alteration is inconclusive. Based on the available evidence, the clinical significance of this variant remains unclear.

Literature cited by the submitters: PubMed 17576681 (cited by Labcorp Genetics (formerly Invitae), Labcorp); PubMed 9536098 (cited by Labcorp Genetics (formerly Invitae), Labcorp).

NM_003072.5(SMARCA4):c.1943G>A (p.Gly648Glu)

Gene: SMARCA4 (SWI/SNF related BAF chromatin remodeling complex subunit ATPase 4; plus strand). Cytogenetic location: 19p13.2.
Variant type: single nucleotide variant.
Coding change: c.1943G>A on transcript NM_003072.5 (MANE Select); coding-DNA position 1943, G replaced by A.
Protein change: p.Gly648Glu; replaces glycine 648 with glutamic acid.
Molecular consequence: missense variant. On other transcripts: non-coding transcript variant (1).
Genome position (GRCh38, 1-based): chr19:11,003,159, G>A. VCF-style: chr19-11003159-G-A. GRCh37 (hg19) VCF-style: chr19-11113835-G-A.
Other names: c.1943G>A, p.Gly648Glu (NM_001128844.3, NM_001128845.2, NM_001128846.2 and 6 more transcripts); short protein forms G648E.
Identifiers: ClinVar variation 1783092 (VCV001783092.4), dbSNP rs2146099555, ClinGen allele CA404051730.
Genomic context (GRCh38, chr19:11,003,159, plus strand): 5'-TCACAGGCACAGATGCCCCCAAAGCCGGGCAGCTGGAGGCCTGGCTCGAGATGAACCCGG[G>A]GTGAGTTGGGCCTTGCATTCCAGATGCAGTGGGGATCCAAGTCCTCGGTGGGCCTTGTTC-3'
Protein context (NP_003063.2, residues 638-658): QLEAWLEMNP[Gly648Glu]YEVAPRSDSE